The following is an entry in ClinVar:

NM_000719.7(CACNA1C):c.352A>T (p.Ile118Phe)

Gene: CACNA1C (calcium voltage-gated channel subunit alpha1 C; plus strand). Cytogenetic location: 12p13.33.
Variant type: single nucleotide variant.
Coding change: c.352A>T on transcript NM_000719.7 (MANE Select); coding-DNA position 352, A replaced by T.
Protein change: p.Ile118Phe; replaces isoleucine 118 with phenylalanine.
Molecular consequence: missense variant.
Genome position (GRCh38, 1-based): chr12:2,115,526, A>T. VCF-style: chr12-2115526-A-T. GRCh37 (hg19) VCF-style: chr12-2224692-A-T.
Other names: c.352A>T, p.Ile118Phe (NM_001129827.2, NM_001129829.2, NM_001129830.3 and 19 more transcripts); short protein forms I118F.
Identifiers: ClinVar variation 4707930 (VCV004707930.2).

ClinVar aggregate classification (germline): Uncertain significance. Review status: criteria provided, multiple submitters, no conflicts (2 of 4 stars). 2 submissions from 2 submitters: Uncertain significance (2). Last evaluated 2026-08-29.

Conditions:
Long QT syndrome (LQTS). Identifiers: MedGen C0023976, MeSH D008133, MONDO:0002442. Disease mechanism: loss of function. Inheritance: Various modes of inheritance.
Cardiovascular phenotype. Identifiers: MedGen CN230736.

Submissions (2):

Ambry Genetics
Classification: Uncertain significance for Cardiovascular phenotype. Last evaluated: 2026-08-29. Review status: criteria provided, single submitter. Criteria: Ambry Variant Classification Scheme 2023. Collection method: clinical testing. Allele origin: germline.
Comment: The p.I118F variant (also known as c.352A>T), located in coding exon 2 of the CACNA1C gene, results from an A to T substitution at nucleotide position 352. The isoleucine at codon 118 is replaced by phenylalanine, an amino acid with highly similar properties. This amino acid position is conserved. In addition, this alteration is predicted to be deleterious by in silico analysis. Based on the available evidence, the clinical significance of this variant remains unclear.

Labcorp Genetics (formerly Invitae), Labcorp
Classification: Uncertain significance for Long QT syndrome. Last evaluated: 2025-06-30. Review status: criteria provided, single submitter. Criteria: Invitae Variant Classification Sherloc (09022015). Collection method: clinical testing. Allele origin: germline.
Comment: This sequence change replaces isoleucine, which is neutral and non-polar, with phenylalanine, which is neutral and non-polar, at codon 118 of the CACNA1C protein (p.Ile118Phe). This variant is not present in population databases (gnomAD no frequency). This variant has not been reported in the literature in individuals affected with CACNA1C-related conditions. Invitae Evidence Modeling of protein sequence and biophysical properties (such as structural, functional, and spatial information, amino acid conservation, physicochemical variation, residue mobility, and thermodynamic stability) indicates that this missense variant is expected to disrupt CACNA1C protein function with a positive predictive value of 95%. In summary, the available evidence is currently insufficient to determine the role of this variant in disease. Therefore, it has been classified as a Variant of Uncertain Significance.